The following is an entry in ClinVar:

NM_152424.4(AMER1):c.1180G>T (p.Glu394Ter)

Gene: AMER1 (APC membrane recruitment protein 1; minus strand). Cytogenetic location: Xq11.2.
Variant type: single nucleotide variant.
Coding change: c.1180G>T on transcript NM_152424.4 (MANE Select); coding-DNA position 1180, G replaced by T.
Protein change: p.Glu394Ter; replaces glutamic acid 394 with a stop codon.
Molecular consequence: nonsense.
Genome position (GRCh38, 1-based): chrX:64,192,107, C>A on the plus strand (G>T on the coding strand, the complement: AMER1 is on the minus strand). VCF-style: chrX-64192107-C-A. GRCh37 (hg19) VCF-style: chrX-63411987-C-A.
Other names: short protein forms E394*.
Identifiers: ClinVar variation 1454631 (VCV001454631.8), dbSNP rs1930260782, ClinGen allele CA413308309.

ClinVar aggregate classification (germline): Pathogenic (1 of 4 stars; one submission).

Submission:

Labcorp Genetics (formerly Invitae), Labcorp
Classification: Pathogenic. Last evaluated: 2024-05-28. Review status: criteria provided, single submitter. Criteria: Invitae Variant Classification Sherloc (09022015). Collection method: clinical testing. Allele origin: germline.
Comment: This sequence change creates a premature translational stop signal (p.Glu394*) in the AMER1 gene. While this is not anticipated to result in nonsense mediated decay, it is expected to disrupt the last 742 amino acid(s) of the AMER1 protein. This variant is not present in population databases (gnomAD no frequency). This variant has not been reported in the literature in individuals affected with AMER1-related conditions. ClinVar contains an entry for this variant (Variation ID: 1454631). This variant disrupts a region of the AMER1 protein in which other variant(s) (p.Arg497*) have been determined to be pathogenic (Invitae). This suggests that this is a clinically significant region of the protein, and that variants that disrupt it are likely to be disease-causing. For these reasons, this variant has been classified as Pathogenic.